The following is an entry in ClinVar:

ClinVar aggregate classification (germline): Uncertain significance (1 of 4 stars; one submission).

gnomAD v4.1: 3 of 1,613,488 alleles (0.00019%); highest among the groups gnomAD compares: Non-Finnish European, 0.00025%; no homozygotes.

Submission:

GeneDx
Classification: Uncertain significance. Last evaluated: 2025-06-12. Review status: criteria provided, single submitter. Criteria: GeneDx Variant Classification Process June 2021. Collection method: clinical testing. Allele origin: germline. Affected: yes.
Comment: Not observed at significant frequency in large population cohorts (gnomAD); In silico analysis supports that this missense variant has a deleterious effect on protein structure/function; Has not been previously published as pathogenic or benign to our knowledge

NM_001394062.1(MACF1):c.21710C>T (p.Ala7237Val)

Gene: MACF1 (microtubule actin crosslinking factor 1; plus strand). Cytogenetic location: 1p34.3.
Variant type: single nucleotide variant.
Coding change: c.21710C>T on transcript NM_001394062.1 (MANE Select); coding-DNA position 21710, C replaced by T.
Protein change: p.Ala7237Val; replaces alanine 7237 with valine.
Molecular consequence: missense variant.
Genome position (GRCh38, 1-based): chr1:39,463,643, C>T. VCF-style: chr1-39463643-C-T. GRCh37 (hg19) VCF-style: chr1-39929315-C-T.
Other names: c.9788C>T, p.Ala3263Val (NM_001397473.1); c.15533C>T, p.Ala5178Val (NM_012090.5); short protein forms A3263V, A5178V, A7237V.
Identifiers: ClinVar variation 4537541 (VCV004537541.1).